The following is an entry in ClinVar:

ClinVar aggregate classification (germline): Uncertain significance. Review status: criteria provided, multiple submitters, no conflicts (2 of 4 stars). 2 submissions from 2 submitters: Uncertain significance (2). Last evaluated 2023-03-07.

Conditions:
Hereditary nonpolyposis colorectal neoplasms. Identifiers: MedGen C0009405, MeSH D003123.
Lynch syndrome. Identifiers: Orphanet 144, MedGen C4552100, MONDO:0005835. Disease mechanism: loss of function.

Submissions (2):

All of Us Research Program, National Institutes of Health
Classification: Uncertain significance for Lynch syndrome. Last evaluated: 2023-03-07. Review status: criteria provided, single submitter. Criteria: ACMG Guidelines, 2015. Collection method: clinical testing. Allele origin: germline. Inheritance: Autosomal dominant inheritance. Observed: 1 variant allele, 1 heterozygote.
Comment: This missense variant replaces isoleucine with methionine at codon 1011 of the MSH6 protein. Computational prediction is inconclusive regarding the impact of this variant on protein structure and function (internally defined REVEL score threshold 0.5 < inconclusive < 0.7, PMID: 27666373). To our knowledge, functional studies have not been reported for this variant. This variant has not been reported in individuals affected with MSH6-related disorders in the literature. This variant has not been identified in the general population by the Genome Aggregation Database (gnomAD). The available evidence is insufficient to determine the role of this variant in disease conclusively. Therefore, this variant is classified as a Variant of Uncertain Significance.

This study involves interpretation of variants in research participants for the purpose of population health screening. Participant phenotype was not available at the time of variant classification. Additional details can be found in publication PMID: 35346344, PMCID: PMC8962531

Labcorp Genetics (formerly Invitae), Labcorp
Classification: Uncertain significance for Hereditary nonpolyposis colorectal neoplasms. Last evaluated: 2019-12-19. Review status: criteria provided, single submitter. Criteria: Invitae Variant Classification Sherloc (09022015). Collection method: clinical testing. Allele origin: germline.
Comment: This sequence change replaces isoleucine with methionine at codon 1011 of the MSH6 protein (p.Ile1011Met). The isoleucine residue is highly conserved and there is a small physicochemical difference between isoleucine and methionine. This variant is not present in population databases (ExAC no frequency). This variant has not been reported in the literature in individuals with MSH6-related disease. In summary, the available evidence is currently insufficient to determine the role of this variant in disease. Therefore, it has been classified as a Variant of Uncertain Significance. Algorithms developed to predict the effect of missense changes on protein structure and function are either unavailable or do not agree on the potential impact of this missense change (SIFT: "Deleterious"; PolyPhen-2: "Probably Damaging"; Align-GVGD: "Class C0").

NM_000179.3(MSH6):c.3033T>G (p.Ile1011Met)

Gene: MSH6 (mutS homolog 6; plus strand). Cytogenetic location: 2p16.3.
Variant type: single nucleotide variant.
Coding change: c.3033T>G on transcript NM_000179.3 (MANE Select); coding-DNA position 3033, T replaced by G.
Protein change: p.Ile1011Met; replaces isoleucine 1011 with methionine.
Molecular consequence: missense variant.
Genome position (GRCh38, 1-based): chr2:47,801,016, T>G. VCF-style: chr2-47801016-T-G. GRCh37 (hg19) VCF-style: chr2-48028155-T-G.
Other names: c.2643T>G, p.Ile881Met (NM_001281492.2); c.2127T>G, p.Ile709Met (NM_001281493.2, NM_001281494.2); short protein forms I1011M, I709M, I881M.
Identifiers: ClinVar variation 665070 (VCV000665070.12), dbSNP rs1572729809, ClinGen allele CA346756465.